The following is an entry in ClinVar:

NM_020937.4(FANCM):c.5255A>T (p.Asn1752Ile)

Gene: FANCM (FA complementation group M; plus strand). Cytogenetic location: 14q21.2.
Variant type: single nucleotide variant.
Coding change: c.5255A>T on transcript NM_020937.4 (MANE Select); coding-DNA position 5255, A replaced by T.
Protein change: p.Asn1752Ile; replaces asparagine 1752 with isoleucine.
Molecular consequence: missense variant.
Genome position (GRCh38, 1-based): chr14:45,189,277, A>T. VCF-style: chr14-45189277-A-T. GRCh37 (hg19) VCF-style: chr14-45658480-A-T.
Other names: c.5177A>T, p.Asn1726Ile (NM_001308133.2); short protein forms N1726I, N1752I.
Identifiers: ClinVar variation 3645952 (VCV003645952.3).

ClinVar aggregate classification (germline): Uncertain significance. Review status: criteria provided, multiple submitters, no conflicts (2 of 4 stars). 2 submissions from 2 submitters: Uncertain significance (2). Last evaluated 2025-02-02.

Conditions:
Inborn genetic diseases. Identifiers: MedGen C0950123, MeSH D030342.
Fanconi anemia (FA). Also called: Fanconi's anemia. Identifiers: Orphanet 84, MedGen C0015625, MeSH D005199, MONDO:0019391.

Submissions (2):

Ambry Genetics
Classification: Uncertain significance for Inborn genetic diseases. Last evaluated: 2025-02-02. Review status: criteria provided, single submitter. Criteria: Ambry Variant Classification Scheme 2023. Collection method: clinical testing. Allele origin: germline.
Comment: The p.N1752I variant (also known as c.5255A>T), located in coding exon 20 of the FANCM gene, results from an A to T substitution at nucleotide position 5255. The asparagine at codon 1752 is replaced by isoleucine, an amino acid with dissimilar properties. This amino acid position is conserved. In addition, this alteration is predicted to be tolerated by in silico analysis. Based on the available evidence, the clinical significance of this variant remains unclear.

Labcorp Genetics (formerly Invitae), Labcorp
Classification: Uncertain significance for Fanconi anemia. Last evaluated: 2024-03-14. Review status: criteria provided, single submitter. Criteria: Invitae Variant Classification Sherloc (09022015). Collection method: clinical testing. Allele origin: germline.
Comment: This sequence change replaces asparagine, which is neutral and polar, with isoleucine, which is neutral and non-polar, at codon 1752 of the FANCM protein (p.Asn1752Ile). This variant is not present in population databases (gnomAD no frequency). This variant has not been reported in the literature in individuals affected with FANCM-related conditions. An algorithm developed to predict the effect of missense changes on protein structure and function (PolyPhen-2) suggests that this variant is likely to be tolerated. In summary, the available evidence is currently insufficient to determine the role of this variant in disease. Therefore, it has been classified as a Variant of Uncertain Significance.